The following is an entry in ClinVar:

NM_138691.3(TMC1):c.1070A>G (p.Asn357Ser)

Gene: TMC1 (transmembrane channel like 1; plus strand). Cytogenetic location: 9q21.13.
Variant type: single nucleotide variant.
Coding change: c.1070A>G on transcript NM_138691.3 (MANE Select); coding-DNA position 1070, A replaced by G.
Protein change: p.Asn357Ser; replaces asparagine 357 with serine.
Molecular consequence: missense variant.
Genome position (GRCh38, 1-based): chr9:72,789,163, A>G. VCF-style: chr9-72789163-A-G. GRCh37 (hg19) VCF-style: chr9-75404079-A-G.
Other names: short protein forms N357S.
Identifiers: ClinVar variation 47855 (VCV000047855.10), dbSNP rs397517834, ClinGen allele CA142048.

ClinVar aggregate classification (germline): Conflicting classifications of pathogenicity. Review status: criteria provided, conflicting classifications (1 of 4 stars). 4 submissions from 4 submitters: Uncertain significance (3); Likely benign (1). Last evaluated 2023-06-16.

Conditions:
Inborn genetic diseases. Identifiers: MedGen C0950123, MeSH D030342.

Allele frequency attached by ClinVar (database versions not stated): gnomAD 0.00001 and 0.00002; gnomAD exomes 0.00001; TOPMed 0.00002.
gnomAD v4.1: 21 of 1,613,214 alleles (0.0013%); highest among the groups gnomAD compares: Non-Finnish European, 0.0015%; no homozygotes.

Submissions (4):

Ambry Genetics
Classification: Uncertain significance for Inborn genetic diseases. Last evaluated: 2023-06-16. Review status: criteria provided, single submitter. Criteria: Ambry Variant Classification Scheme 2023. Collection method: clinical testing. Allele origin: germline.

Blueprint Genetics
Classification: Uncertain significance. Last evaluated: 2023-04-05. Review status: criteria provided, single submitter. Criteria: ACMG Guidelines, 2015. Collection method: clinical testing. Allele origin: germline.

GeneDx
Classification: Uncertain significance. Last evaluated: 2022-02-15. Review status: criteria provided, single submitter. Criteria: GeneDx Variant Classification Process June 2021. Collection method: clinical testing. Allele origin: germline. Affected: yes.
Comment: In silico analysis supports that this missense variant has a deleterious effect on protein structure/function; Has not been previously published as pathogenic or benign to our knowledge

Laboratory for Molecular Medicine, Mass General Brigham Personalized Medicine
Classification: Likely benign. Last evaluated: 2010-09-02. Review status: criteria provided, single submitter. Criteria: LMM Criteria. Collection method: clinical testing. Allele origin: germline. Observed: 1 variant allele.
Comment: This residue is conserved in mammals but not in other s pecies and computational analyses (PolyPhen, SIFT, AlignGVGD) do not suggest a h igh likelihood of impact to the protein. In summary, this variant is most likel y benign.